The following is an entry in ClinVar:

ClinVar aggregate classification (germline): Uncertain significance (1 of 4 stars; one submission).

Conditions:
Autosomal dominant nonsyndromic hearing loss 1. Also called: KONIGSMARK SYNDROME; DEAFNESS, AUTOSOMAL DOMINANT 1, WITH OR WITHOUT THROMBOCYTOPENIA. Identifiers: Orphanet 90635, MedGen C1852282, MONDO:0007424, OMIM 124900.
Progressive microcephaly-seizures-cortical blindness-developmental delay syndrome. Also called: Seizures, cortical blindness, and microcephaly syndrome. Identifiers: Orphanet 477814, MedGen C5567650, MONDO:0014714, OMIM 616632.

Submission:

Labcorp Genetics (formerly Invitae), Labcorp
Classification: Uncertain significance for Progressive microcephaly-seizures-cortical blindness-developmental delay syndrome; Autosomal dominant nonsyndromic hearing loss 1. Last evaluated: 2024-06-22. Review status: criteria provided, single submitter. Criteria: Invitae Variant Classification Sherloc (09022015). Collection method: clinical testing. Allele origin: germline.
Comment: This sequence change replaces alanine, which is neutral and non-polar, with valine, which is neutral and non-polar, at codon 448 of the DIAPH1 protein (p.Ala448Val). This variant is not present in population databases (gnomAD no frequency). This variant has not been reported in the literature in individuals affected with DIAPH1-related conditions. Experimental studies and prediction algorithms are not available or were not evaluated, and the functional significance of this variant is currently unknown. In summary, the available evidence is currently insufficient to determine the role of this variant in disease. Therefore, it has been classified as a Variant of Uncertain Significance.

NM_005219.5(DIAPH1):c.1343C>T (p.Ala448Val)

Gene: DIAPH1 (diaphanous related formin 1; minus strand). Cytogenetic location: 5q31.3.
Variant type: single nucleotide variant.
Coding change: c.1343C>T on transcript NM_005219.5 (MANE Select); coding-DNA position 1343, C replaced by T.
Protein change: p.Ala448Val; replaces alanine 448 with valine.
Molecular consequence: missense variant.
Genome position (GRCh38, 1-based): chr5:141,576,809, G>A on the plus strand (C>T on the coding strand, the complement: DIAPH1 is on the minus strand). VCF-style: chr5-141576809-G-A. GRCh37 (hg19) VCF-style: chr5-140956376-G-A.
Other names: c.1316C>T, p.Ala439Val (NM_001079812.3); c.1343C>T, p.Ala448Val (NM_001314007.2); short protein forms A439V, A448V.
Identifiers: ClinVar variation 3750844 (VCV003750844.2).